The following is an entry in ClinVar:

ClinVar aggregate classification (germline): Benign/Likely benign. Review status: criteria provided, multiple submitters, no conflicts (2 of 4 stars). 5 submissions from 5 submitters: Benign (3); Likely benign (2). Last evaluated 2025-12-21.

Conditions:
Ehlers-Danlos syndrome, classic type, 1 (EDSCL1). Also called: Ehlers-Danlos syndrome, type 1; Ehlers-Danlos Syndrome, Classic Type, COL5A1-Related; EDS I; EHLERS-DANLOS SYNDROME, GRAVIS TYPE; EHLERS-DANLOS SYNDROME, SEVERE CLASSIC TYPE. Identifiers: MedGen C0268335, MONDO:0019567, OMIM 130000.
Ehlers-Danlos syndrome, classic type, 2 (EDSCL2). Also called: Ehlers-Danlos syndrome, type 2; Ehlers-Danlos syndrome type 2 (formerly); Ehlers-Danlos Syndrome, Classic Type, COL5A2-Related. Identifiers: Orphanet 287, Orphanet 90318, MedGen C0268336, MONDO:0019568, OMIM 130010.

Allele frequency attached by ClinVar (database versions not stated): 1000 Genomes Project 0.00020; gnomAD 0.00042 and 0.00045; TOPMed 0.00052; ESP Exome Variant Server 0.00054; ExAC 0.00007; gnomAD exomes 0.00009; 1000 Genomes Project 30x 0.00016.
gnomAD v4.1: 114 of 1,510,496 alleles (0.0075%); highest among the groups gnomAD compares: African/African-American, 0.14%; 1 homozygote.

Submissions (5):

Labcorp Genetics (formerly Invitae), Labcorp
Classification: Benign for Ehlers-Danlos syndrome, classic type, 1. Last evaluated: 2025-12-21. Review status: criteria provided, single submitter. Criteria: Invitae Variant Classification Sherloc (09022015). Collection method: clinical testing. Allele origin: germline.

Blueprint Genetics
Classification: Likely benign. Last evaluated: 2024-07-30. Review status: criteria provided, single submitter. Criteria: ACMG Guidelines, 2015. Collection method: clinical testing. Allele origin: germline.

Women's Health and Genetics/Laboratory Corporation of America, LabCorp
Classification: Benign. Last evaluated: 2024-05-20. Review status: criteria provided, single submitter. Criteria: LabCorp Variant Classification Summary - May 2015. Collection method: clinical testing. Allele origin: germline.

ARUP Laboratories, Molecular Genetics and Genomics, ARUP Laboratories
Classification: Benign for Ehlers-Danlos syndrome, classic type, 2. Last evaluated: 2023-08-07. Review status: criteria provided, single submitter. Criteria: ARUP Molecular Germline Variant Investigation Process 2024. Collection method: clinical testing. Allele origin: germline.

GeneDx
Classification: Likely benign. Last evaluated: 2016-06-13. Review status: criteria provided, single submitter. Criteria: GeneDx Variant Classification (06012015). Collection method: clinical testing. Allele origin: germline. Affected: yes.
Comment: This variant is considered likely benign or benign based on one or more of the following criteria: it is a conservative change, it occurs at a poorly conserved position in the protein, it is predicted to be benign by multiple in silico algorithms, and/or has population frequency not consistent with disease.

NM_000393.5(COL5A2):c.322+18C>G

Gene: COL5A2 (collagen type V alpha 2 chain; minus strand). Cytogenetic location: 2q32.2.
Variant type: single nucleotide variant.
Coding change: c.322+18C>G on transcript NM_000393.5 (MANE Select); 18 bases into the intron after coding-DNA position 322, C replaced by G.
Molecular consequence: intron variant.
Genome position (GRCh38, 1-based): chr2:189,110,207, G>C on the plus strand (C>G on the coding strand, the complement: COL5A2 is on the minus strand). VCF-style: chr2-189110207-G-C. GRCh37 (hg19) VCF-style: chr2-189974933-G-C.
Identifiers: ClinVar variation 386834 (VCV000386834.12), dbSNP rs201708256, ClinGen allele CA2023154.
Genomic context (GRCh38, chr2:189,110,207, plus strand): 5'-AATGCTGAAAGTGAAAAACACTGCAACTATAAAGGTGAGTAACTGGATCAATTATGAGTT[G>C]GCCCTAAACATTCTTACCAAAATTGGTATTGCCACCTCCAGGTGTTTGTGAACAGACAGG-3'